The following is an entry in ClinVar:

ClinVar aggregate classification (germline): Uncertain significance. Review status: criteria provided, multiple submitters, no conflicts (2 of 4 stars). 2 submissions from 2 submitters: Uncertain significance (2). Last evaluated 2026-04-20.

Conditions:
RASA1-related disorder. Also called: RASA1-related condition.

Submissions (2):

GeneDx
Classification: Uncertain significance. Last evaluated: 2026-04-20. Review status: criteria provided, single submitter. Criteria: GeneDx Variant Classification Process June 2021. Collection method: clinical testing. Allele origin: germline.
Comment: Not observed at significant frequency in large population cohorts (gnomAD); In silico analysis suggests that this missense variant does not alter protein structure/function; Has not been previously published as pathogenic or benign to our knowledge

PreventionGenetics, part of Exact Sciences
Classification: Uncertain significance for RASA1-related condition. Last evaluated: 2026-03-04. Review status: criteria provided, single submitter. Criteria: ACMG Guidelines, 2015. Collection method: clinical testing. Allele origin: germline.
Comment: The RASA1 c.263G>A variant is predicted to result in the amino acid substitution p.Gly88Glu. To our knowledge, this variant has not been reported in the literature. This variant is reported in 0.0033% of alleles in individuals of South Asian descent in gnomAD. At this time, the clinical significance of this variant is uncertain due to the absence of conclusive functional and genetic evidence.

NM_002890.3(RASA1):c.263G>A (p.Gly88Glu)

Gene: RASA1 (RAS p21 protein activator 1; plus strand). Cytogenetic location: 5q14.3.
Variant type: single nucleotide variant.
Coding change: c.263G>A on transcript NM_002890.3 (MANE Select); coding-DNA position 263, G replaced by A.
Protein change: p.Gly88Glu; replaces glycine 88 with glutamic acid.
Molecular consequence: missense variant.
Genome position (GRCh38, 1-based): chr5:87,268,714, G>A. VCF-style: chr5-87268714-G-A. GRCh37 (hg19) VCF-style: chr5-86564531-G-A.
Other names: short protein forms G88E.
Identifiers: ClinVar variation 4994634 (VCV004994634.2).